The following is an entry in ClinVar:

Conditions:
Long QT syndrome 5 (LQT5). Identifiers: Orphanet 101016, Orphanet 768, MedGen C1867904, MONDO:0013372, OMIM 613695.

Submission:

Roden Lab, Vanderbilt University Medical Center
No classification provided (evidence only). Condition: Long QT syndrome 5. Review status: no classification provided. Collection method: in vitro. Allele origin: not applicable. Functional consequence: Effect on ion channel function.
ClinVar note: "not provided" was previously submitted as the classification for the variant. However, the classification appeared to be based only on an observation of functional data so it was converted to no classification on 2025-07-30.

NM_000219.6(KCNE1):c.119G>T (p.Gly40Val)

Gene: KCNE1 (potassium voltage-gated channel subfamily E regulatory subunit 1; minus strand). Cytogenetic location: 21q22.12.
Variant type: single nucleotide variant.
Coding change: c.119G>T on transcript NM_000219.6 (MANE Select); coding-DNA position 119, G replaced by T.
Protein change: p.Gly40Val; replaces glycine 40 with valine.
Molecular consequence: missense variant.
Genome position (GRCh38, 1-based): chr21:34,449,516, C>A on the plus strand (G>T on the coding strand, the complement: KCNE1 is on the minus strand). VCF-style: chr21-34449516-C-A. GRCh37 (hg19) VCF-style: chr21-35821814-C-A.
Other names: c.119G>T, p.Gly40Val (NM_001127668.4, NM_001127669.4, NM_001127670.4 and 4 more transcripts); short protein forms G40V.
Identifiers: ClinVar variation 3374095 (VCV003374095.2).
Genomic context (GRCh38, chr21:34,449,516, plus strand): 5'-CCCAGGGTGAAGAAGCCGAAGAATCCCAGTACCATGAGGACGTAGAGGGCCTCCAGCTTG[C>A]CGTCACTGCTGCGGGGGGACCTGCGGGCCAGGCCCGACATGTTGCCACCCTGCTGAACTG-3'
Protein context (NP_000210.2, residues 30-50): LARRSPRSSD[Gly40Val]KLEALYVLMV